The following is an entry in ClinVar:

ClinVar aggregate classification (germline): Likely benign. Review status: criteria provided, multiple submitters, no conflicts (2 of 4 stars). 2 submissions from 2 submitters: Likely benign (2). Last evaluated 2024-04-01.

Conditions:
Treacher Collins syndrome 1 (TCS1). Also called: TCOF1-Related Treacher Collins Syndrome. Identifiers: Orphanet 861, MedGen CN315775, MONDO:0007944, OMIM 154500.

Allele frequency attached by ClinVar (database versions not stated): gnomAD 0.00002; TOPMed 0.00003; ExAC 0.00004; gnomAD exomes 0.00007.
gnomAD v4.1: 109 of 1,612,308 alleles (0.0068%); highest among the groups gnomAD compares: Non-Finnish European, 0.0086%; no homozygotes.

Submissions (2):

CeGaT Center for Human Genetics Tuebingen
Classification: Likely benign. Last evaluated: 2024-04-01. Review status: criteria provided, single submitter. Criteria: CeGaT Center For Human Genetics Tuebingen Variant Classification Criteria Version 2. Collection method: clinical testing. Allele origin: germline. Affected: yes. Observed: 2 variant alleles.
Comment: TCOF1: BP4

Labcorp Genetics (formerly Invitae), Labcorp
Classification: Likely benign for Treacher Collins syndrome 1. Last evaluated: 2022-11-04. Review status: criteria provided, single submitter. Criteria: Invitae Variant Classification Sherloc (09022015). Collection method: clinical testing. Allele origin: germline.

NM_001371623.1(TCOF1):c.1216C>T (p.Arg406Trp)

Gene: TCOF1 (treacle ribosome biogenesis factor 1; plus strand). Cytogenetic location: 5q32.
Variant type: single nucleotide variant.
Coding change: c.1216C>T on transcript NM_001371623.1 (MANE Select); coding-DNA position 1216, C replaced by T.
Protein change: p.Arg406Trp; replaces arginine 406 with tryptophan.
Molecular consequence: missense variant.
Genome position (GRCh38, 1-based): chr5:150,374,749, C>T. VCF-style: chr5-150374749-C-T. GRCh37 (hg19) VCF-style: chr5-149754312-C-T.
Other names: c.985C>T, p.Arg329Trp (NM_000356.4, NM_001135245.2); c.1216C>T, p.Arg406Trp (NM_001008657.3, NM_001135243.2, NM_001135244.2 and 1 more transcripts); short protein forms R406W, R329W.
Identifiers: ClinVar variation 2066211 (VCV002066211.28), dbSNP rs760851298, ClinGen allele CA3510792.